The following is an entry in ClinVar:

ClinVar aggregate classification (germline): Conflicting classifications of pathogenicity. Review status: criteria provided, conflicting classifications (1 of 4 stars). 3 submissions from 3 submitters: Uncertain significance (2); Likely benign (1). Last evaluated 2025-10-01.

Conditions:
Hereditary cancer-predisposing syndrome. Also called: Hereditary neoplastic syndrome; Tumor predisposition; Neoplastic Syndromes, Hereditary; Hereditary Cancer Syndrome. Identifiers: Orphanet 140162, MedGen C0027672, MeSH D009386, MONDO:0015356.

Allele frequency attached by ClinVar (database versions not stated): gnomAD exomes below 0.00001.
gnomAD v4.1: 1 of 1,614,106 alleles (0.000062%); highest among the groups gnomAD compares: Non-Finnish European, 0.000085%; no homozygotes.

Submissions (3):

Ambry Genetics
Classification: Uncertain significance for Hereditary cancer-predisposing syndrome. Last evaluated: 2025-10-01. Review status: criteria provided, single submitter. Criteria: Ambry Variant Classification Scheme 2023. Collection method: clinical testing. Allele origin: germline.
Comment: The p.S1180N variant (also known as c.3539G>A), located in coding exon 9 of the BRCA1 gene, results from a G to A substitution at nucleotide position 3539. The serine at codon 1180 is replaced by asparagine, an amino acid with highly similar properties. This amino acid position is not well conserved in available vertebrate species, and asparagine is the reference amino acid in other vertebrate species. In addition, this alteration is predicted to be tolerated by in silico analysis. Based on the available evidence, the clinical significance of this variant remains unclear.

University of Washington Department of Laboratory Medicine, University of Washington
Classification: Likely benign for Hereditary cancer-predisposing syndrome. Last evaluated: 2023-03-23. Review status: criteria provided, single submitter. Criteria: Dines et al. (Genet Med. 2020). Collection method: curation. Allele origin: germline.
Comment: Missense variant in a coldspot region where missense variants are very unlikely to be pathogenic (PMID:31911673).

BRCA1 coldspot (exon 11 using historical exon numbering). Reclassification based on statistical prior probability

GeneDx
Classification: Uncertain significance. Last evaluated: 2014-10-13. Review status: criteria provided, single submitter. Criteria: GeneDx Variant Classification (06012015). Collection method: clinical testing. Allele origin: germline. Affected: yes.
Comment: This variant is denoted BRCA1 c.3539G>A at the cDNA level, p.Ser1180Asn (S1180N) at the protein level, and results in the change of a Serine to an Asparagine (AGC>AAC). This variant has not, to our knowledge, been published in the literature as pathogenic or benign. BRCA1 Ser1180Asn was not observed in approximately 6,500 individuals of European and African American ancestry in the NHLBI Exome Sequencing Project, indicating it is not a common benign variant in these populations. Since Serine and Asparagine share similar properties, this is considered a conservative amino acid substitution. BRCA1 Ser1180Asn occurs at a position that is moderately conserved across species and is not located in a known functional domain. In silico analyses predict that this variant is unlikely to alter protein structure or function. Based on currently available information, it is unclear whether BRCA1 Ser1180Asn is pathogenic or benign. We consider it to be a variant of uncertain significance.

NM_007294.4(BRCA1):c.3539G>A (p.Ser1180Asn)

Genes: BRCA1 (BRCA1 DNA repair associated; minus strand), LOC126862571 (BRD4-independent group 4 enhancer GRCh37_chr17:41243136-41244335; plus strand). Cytogenetic location: 17q21.31.
Variant type: single nucleotide variant.
Coding change: c.3539G>A on transcript NM_007294.4 (MANE Select); coding-DNA position 3539, G replaced by A.
Protein change: p.Ser1180Asn; replaces serine 1180 with asparagine.
Molecular consequence: missense variant. On other transcripts: intron variant (135).
Genome position (GRCh38, 1-based): chr17:43,091,992, C>T on the plus strand (G>A on the coding strand, the complement: BRCA1 is on the minus strand). VCF-style: chr17-43091992-C-T. GRCh37 (hg19) VCF-style: chr17-41244009-C-T.
Other names: c.3536G>A, p.Ser1179Asn (NM_001407636.1, NM_001407637.1, NM_001407644.1 and 22 more transcripts); c.284-960G>A (NM_001408512.1); c.647-960G>A (NM_001408469.1, NM_001408453.1, NM_001408461.1 and 11 more transcripts); c.785-960G>A (NM_001408397.1, NM_001408401.1, NM_001408396.1 and 13 more transcripts); c.665-960G>A (NM_001408436.1, NM_001408444.1, NM_001408438.1 and 12 more transcripts); c.788-960G>A (NM_001407980.1, NM_001407993.1, NM_001407976.1 and 17 more transcripts); c.407-960G>A (NM_001408510.1); c.644-960G>A (NM_001408470.1, NM_001408464.1, NM_001408468.1 and 3 more transcripts); and 41 more; short protein forms S1180N, S1133N, S1052N, S1091N, S1109N, S1112N, S1153N, S1179N.
Identifiers: ClinVar variation 418069 (VCV000418069.6), dbSNP rs1064793057, ClinGen allele CA10594889.